The following is an entry in ClinVar:

ClinVar aggregate classification (germline): Uncertain significance (1 of 4 stars; one submission).

gnomAD v4.1: 1 of 1,610,574 alleles (0.000062%); highest among the groups gnomAD compares: Non-Finnish European, 0.000085%; no homozygotes.

Submission:

GeneDx
Classification: Uncertain significance. Last evaluated: 2024-04-01. Review status: criteria provided, single submitter. Criteria: GeneDx Variant Classification Process June 2021. Collection method: clinical testing. Allele origin: germline. Affected: yes.
Comment: Not observed at significant frequency in large population cohorts (gnomAD); Located in a region that tolerates variation and lacks pathogenic variants; Has not been previously published as pathogenic or benign to our knowledge

NM_033118.4(MYLK2):c.*10G>T

Gene: MYLK2 (myosin light chain kinase 2; plus strand). Cytogenetic location: 20q11.21.
Variant type: single nucleotide variant.
Coding change: c.*10G>T on transcript NM_033118.4 (MANE Select); 10 bases downstream of the stop codon, G replaced by T.
Molecular consequence: 3 prime UTR variant.
Genome position (GRCh38, 1-based): chr20:31,833,807, G>T. VCF-style: chr20-31833807-G-T. GRCh37 (hg19) VCF-style: chr20-30421610-G-T.
Identifiers: ClinVar variation 3371433 (VCV003371433.1).